The following is an entry in ClinVar:

ClinVar aggregate classification (germline): Uncertain significance (1 of 4 stars; one submission).

Conditions:
Myoclonic dystonia 11 (DYT11). Also called: DYT-SGCE; Myoclonic dystonia; Dystonia 11; Dystonia, alcohol responsive; Hereditary essential myoclonus; SGCE Myoclonus-Dystonia. Identifiers: Orphanet 36899, MedGen C1834570, MONDO:0008044, OMIM 159900.

Allele frequency attached by ClinVar (database versions not stated): gnomAD 0.00001; gnomAD exomes 0.00001 and 0.00002; TOPMed 0.00002; ESP Exome Variant Server 0.00008.
gnomAD v4.1: 11 of 1,607,738 alleles (0.00068%); highest among the groups gnomAD compares: Admixed American, 0.012%; no homozygotes.

Submission:

Labcorp Genetics (formerly Invitae), Labcorp
Classification: Uncertain significance for Myoclonic dystonia 11. Last evaluated: 2025-06-11. Review status: criteria provided, single submitter. Criteria: Invitae Variant Classification Sherloc (09022015). Collection method: clinical testing. Allele origin: germline.
Comment: This sequence change replaces proline, which is neutral and non-polar, with leucine, which is neutral and non-polar, at codon 4 of the SGCE protein (p.Pro4Leu). This variant is present in population databases (rs372207991, gnomAD 0.01%). This variant has not been reported in the literature in individuals affected with SGCE-related conditions. ClinVar contains an entry for this variant (Variation ID: 1054774). An algorithm developed to predict the effect of missense changes on protein structure and function (PolyPhen-2) suggests that this variant is likely to be tolerated. In summary, the available evidence is currently insufficient to determine the role of this variant in disease. Therefore, it has been classified as a Variant of Uncertain Significance.

NM_003919.3(SGCE):c.11C>T (p.Pro4Leu)

Gene: SGCE (sarcoglycan epsilon; minus strand). Cytogenetic location: 7q21.3.
Variant type: single nucleotide variant.
Coding change: c.11C>T on transcript NM_003919.3 (MANE Select); coding-DNA position 11, C replaced by T.
Protein change: p.Pro4Leu; replaces proline 4 with leucine.
Molecular consequence: missense variant. On other transcripts: 5 prime UTR variant (4).
Genome position (GRCh38, 1-based): chr7:94,656,088, G>A on the plus strand (C>T on the coding strand, the complement: SGCE is on the minus strand). VCF-style: chr7-94656088-G-A. GRCh37 (hg19) VCF-style: chr7-94285400-G-A.
Other names: c.11C>T, p.Pro4Leu (NM_001099400.2, NM_001099401.2, NM_001301139.2 and 4 more transcripts); c.-247C>T (NM_001346719.2); c.-325C>T (NM_001346720.2, NM_001362808.2); c.-253C>T (NM_001362807.2); short protein forms P4L.
Identifiers: ClinVar variation 1054774 (VCV001054774.9), dbSNP rs372207991, ClinGen allele CA163086037.
Genomic context (GRCh38, chr7:94,656,088, plus strand): 5'-CTGCGTGTCCCCCGACCCTGTCCCGTCCAAGCACAGGGGTCTCCCAGCTCCCACCACCGG[G>A]GCAATTGCATTCTTGGCCTGGCTAGGCCGTCCGTCCTCGATTCTCCCCTCCCCTCCCTTT-3'
Protein context (NP_003910.1, residues 1-14): MQL[Pro4Leu]RWWELGDPCA